The following is an entry in ClinVar:

ClinVar aggregate classification (germline): Uncertain significance. Review status: criteria provided, multiple submitters, no conflicts (2 of 4 stars). 2 submissions from 2 submitters: Uncertain significance (2). Last evaluated 2025-06-27.

Conditions:
Capillary malformation-arteriovenous malformation syndrome. Also called: Capillary malformation-arteriovenous malformation. Identifiers: Orphanet 137667, MedGen C1842180, MONDO:0012016.
Cardiovascular phenotype. Identifiers: MedGen CN230736.

gnomAD v4.1: 17 of 1,613,978 alleles (0.0011%); highest among the groups gnomAD compares: Non-Finnish European, 0.0012%; no homozygotes.

Submissions (2):

Labcorp Genetics (formerly Invitae), Labcorp
Classification: Uncertain significance for Capillary malformation-arteriovenous malformation syndrome. Last evaluated: 2025-06-27. Review status: criteria provided, single submitter. Criteria: Invitae Variant Classification Sherloc (09022015). Collection method: clinical testing. Allele origin: germline.
Comment: This sequence change replaces proline, which is neutral and non-polar, with threonine, which is neutral and polar, at codon 697 of the RASA1 protein (p.Pro697Thr). This variant is present in population databases (no rsID available, gnomAD 0.002%). This variant has not been reported in the literature in individuals affected with RASA1-related conditions. ClinVar contains an entry for this variant (Variation ID: 1409740). An algorithm developed to predict the effect of missense changes on protein structure and function (PolyPhen-2) suggests that this variant is likely to be disruptive. In summary, the available evidence is currently insufficient to determine the role of this variant in disease. Therefore, it has been classified as a Variant of Uncertain Significance.

Ambry Genetics
Classification: Uncertain significance for Cardiovascular phenotype. Last evaluated: 2023-12-21. Review status: criteria provided, single submitter. Criteria: Ambry Variant Classification Scheme 2023. Collection method: clinical testing. Allele origin: germline.

NM_002890.3(RASA1):c.2089C>A (p.Pro697Thr)

Genes: CCNH (cyclin H; minus strand), RASA1 (RAS p21 protein activator 1; plus strand). Cytogenetic location: 5q14.3.
Variant type: single nucleotide variant.
Coding change: c.2089C>A on transcript NM_002890.3 (MANE Select); coding-DNA position 2089, C replaced by A.
Protein change: p.Pro697Thr; replaces proline 697 with threonine.
Molecular consequence: missense variant. On other transcripts: intron variant (1).
Genome position (GRCh38, 1-based): chr5:87,376,470, C>A. VCF-style: chr5-87376470-C-A. GRCh37 (hg19) VCF-style: chr5-86672287-C-A.
Other names: c.1558C>A, p.Pro520Thr (NM_022650.3); c.933+18574G>T (NM_001364075.2); short protein forms P520T, P697T.
Identifiers: ClinVar variation 1409740 (VCV001409740.7), dbSNP rs759711265, ClinGen allele CA121812727.